The following is an entry in ClinVar:

NM_053025.4(MYLK):c.4993_4995del (p.Asn1665del)

Genes: MYLK (myosin light chain kinase; minus strand), MYLK-AS1 (MYLK antisense RNA 1; plus strand), LOC126806791 (MED14-independent group 3 enhancer GRCh37_chr3:123347871-123349070; plus strand). Cytogenetic location: 3q21.1.
Variant type: Deletion.
Coding change: c.4993_4995del on transcript NM_053025.4 (MANE Select); coding-DNA positions 4993 to 4995, 3 bases deleted (AAC; older notation c.4993_4995delAAC).
Protein change: p.Asn1665del; deletes asparagine 1665.
Molecular consequence: inframe deletion. On other transcripts: non-coding transcript variant (2), intron variant (2).
Genome position (GRCh38, 1-based): chr3:123,629,593-123,629,595, GTT deleted on the plus strand (AAC on the coding strand, the reverse complement: MYLK is on the minus strand); deleting any 3 consecutive bases within chr3:123,629,593-123,629,597 gives the same sequence; the c. name uses the placement nearest the transcript's 3' end. VCF-style (leftmost placement, unchanged base first): chr3-123629592-CGTT-C. GRCh37 (hg19) VCF-style: chr3-123348439-CGTT-C.
Other names: c.4465_4467del, p.Asn1489del (NM_001321309.2); c.4786_4788del, p.Asn1596del (NM_053026.4); c.4755-2654_4755-2652del (NM_053028.4); c.4962-2654_4962-2652del (NM_053027.4); short protein forms N1489del, N1596del, N1665del.
Identifiers: ClinVar variation 3627714 (VCV003627714.3).

ClinVar aggregate classification (germline): Uncertain significance. Review status: criteria provided, multiple submitters, no conflicts (2 of 4 stars). 2 submissions from 2 submitters: Uncertain significance (2). Last evaluated 2025-01-07.

Conditions:
Aortic aneurysm, familial thoracic 7 (AAT7). Also called: AORTIC DISSECTION, FAMILIAL, WITH OR WITHOUT AORTIC ANEURYSM. Identifiers: MedGen C3151077, MONDO:0013418, OMIM 613780.

Submissions (2):

Labcorp Genetics (formerly Invitae), Labcorp
Classification: Uncertain significance for Aortic aneurysm, familial thoracic 7. Last evaluated: 2025-01-07. Review status: criteria provided, single submitter. Criteria: Invitae Variant Classification Sherloc (09022015). Collection method: clinical testing. Allele origin: germline.
Comment: This variant, c.4993_4995del, results in the deletion of 1 amino acid(s) of the MYLK protein (p.Asn1665del), but otherwise preserves the integrity of the reading frame. This variant is not present in population databases (gnomAD no frequency). This variant has not been reported in the literature in individuals affected with MYLK-related conditions. Experimental studies and prediction algorithms are not available or were not evaluated, and the functional significance of this variant is currently unknown. In summary, the available evidence is currently insufficient to determine the role of this variant in disease. Therefore, it has been classified as a Variant of Uncertain Significance.

Blueprint Genetics
Classification: Uncertain significance. Last evaluated: 2024-02-20. Review status: criteria provided, single submitter. Criteria: ACMG Guidelines, 2015. Collection method: clinical testing. Allele origin: germline.